The following is an entry in ClinVar:

NM_001282472.2(GOLGA8J):c.1470-4G>A

Gene: GOLGA8J (golgin A8 family member J; plus strand). Cytogenetic location: 15q13.2.
Variant type: single nucleotide variant.
Coding change: c.1470-4G>A on transcript NM_001282472.2 (MANE Select); 4 bases into the intron before coding-DNA position 1470, G replaced by A.
Molecular consequence: intron variant.
Genome position (GRCh38, 1-based): chr15:30,092,887, G>A. VCF-style: chr15-30092887-G-A. GRCh37 (hg19) VCF-style: chr15-30385090-G-A.
Identifiers: ClinVar variation 3898128 (VCV003898128.7).

ClinVar aggregate classification (germline): Likely benign (1 of 4 stars; one submission).

gnomAD v4.1: 5,057 of 1,425,220 alleles (0.35%); highest among the groups gnomAD compares: Admixed American, 0.47%; 82 homozygotes.

Submission:

CeGaT Center for Human Genetics Tuebingen
Classification: Likely benign. Last evaluated: 2025-04-01. Review status: criteria provided, single submitter. Criteria: CeGaT Center For Human Genetics Tuebingen Variant Classification Criteria Version 2. Collection method: clinical testing. Allele origin: germline. Affected: yes. Observed: 1 variant allele.
Comment: GOLGA8J: BP4, BS2